The following is an entry in ClinVar:

NM_002292.4(LAMB2):c.1981G>A (p.Asp661Asn)

Gene: LAMB2 (laminin subunit beta 2; minus strand). Cytogenetic location: 3p21.31.
Variant type: single nucleotide variant.
Coding change: c.1981G>A on transcript NM_002292.4 (MANE Select); coding-DNA position 1981, G replaced by A.
Protein change: p.Asp661Asn; replaces aspartic acid 661 with asparagine.
Molecular consequence: missense variant.
Genome position (GRCh38, 1-based): chr3:49,128,495, C>T on the plus strand (G>A on the coding strand, the complement: LAMB2 is on the minus strand). VCF-style: chr3-49128495-C-T. GRCh37 (hg19) VCF-style: chr3-49165928-C-T.
Other names: short protein forms D661N.
Identifiers: ClinVar variation 1700503 (VCV001700503.2), dbSNP rs1424372955, ClinGen allele CA352731230.

ClinVar aggregate classification (germline): Uncertain significance (1 of 4 stars; one submission).

Allele frequency attached by ClinVar (database versions not stated): gnomAD exomes below 0.00001; gnomAD 0.00001.
gnomAD v4.1: 3 of 1,614,042 alleles (0.00019%); highest among the groups gnomAD compares: Non-Finnish European, 0.00025%; no homozygotes.

Submission:

GeneDx
Classification: Uncertain significance. Last evaluated: 2022-08-02. Review status: criteria provided, single submitter. Criteria: GeneDx Variant Classification Process June 2021. Collection method: clinical testing. Allele origin: germline. Affected: yes.
Comment: Not observed at significant frequency in large population cohorts (gnomAD); In silico analysis, which includes protein predictors and evolutionary conservation, supports a deleterious effect; Has not been previously published as pathogenic or benign to our knowledge